The following is an entry in ClinVar:

NM_004104.5(FASN):c.1808C>T (p.Ala603Val)

Gene: FASN (fatty acid synthase; minus strand). Cytogenetic location: 17q25.3.
Variant type: single nucleotide variant.
Coding change: c.1808C>T on transcript NM_004104.5 (MANE Select); coding-DNA position 1808, C replaced by T.
Protein change: p.Ala603Val; replaces alanine 603 with valine.
Molecular consequence: missense variant.
Genome position (GRCh38, 1-based): chr17:82,090,437, G>A on the plus strand (C>T on the coding strand, the complement: FASN is on the minus strand). VCF-style: chr17-82090437-G-A. GRCh37 (hg19) VCF-style: chr17-80048313-G-A.
Other names: short protein forms A603V.
Identifiers: ClinVar variation 856416 (VCV000856416.9), dbSNP rs1421967138, ClinGen allele CA401559665.

ClinVar aggregate classification (germline): Uncertain significance (1 of 4 stars; one submission).

Conditions:
Epileptic encephalopathy. Identifiers: MedGen C0543888, HP:0200134.

Allele frequency attached by ClinVar (database versions not stated): gnomAD exomes below 0.00001.
gnomAD v4.1: 2 of 1,603,914 alleles (0.00012%); highest among the groups gnomAD compares: Non-Finnish European, 0.00017%; no homozygotes.

Submission:

Labcorp Genetics (formerly Invitae), Labcorp
Classification: Uncertain significance for Epileptic encephalopathy. Last evaluated: 2023-08-17. Review status: criteria provided, single submitter. Criteria: Invitae Variant Classification Sherloc (09022015). Collection method: clinical testing. Allele origin: germline.
Comment: This variant has not been reported in the literature in individuals affected with FASN-related conditions. ClinVar contains an entry for this variant (Variation ID: 856416). An algorithm developed to predict the effect of missense changes on protein structure and function (PolyPhen-2) suggests that this variant is likely to be disruptive. In summary, the available evidence is currently insufficient to determine the role of this variant in disease. Therefore, it has been classified as a Variant of Uncertain Significance. The frequency data for this variant in the population databases is considered unreliable, as metrics indicate poor data quality at this position in the gnomAD database. This sequence change replaces alanine, which is neutral and non-polar, with valine, which is neutral and non-polar, at codon 603 of the FASN protein (p.Ala603Val).